The following is an entry in ClinVar:

ClinVar aggregate classification (germline): Uncertain significance (1 of 4 stars; one submission).

Conditions:
Microcephaly, normal intelligence and immunodeficiency (NBS). Also called: Nijmegen breakage syndrome; Microcephaly with normal intelligence immunodeficiency and lymphoreticular malignancies; Nonsyndromal microcephaly autosomal recessive with normal intelligence; Seemanova syndrome 2; IMMUNODEFICIENCY, MICROCEPHALY, AND CHROMOSOMAL INSTABILITY; BERLIN BREAKAGE SYNDROME. Identifiers: Orphanet 647, MedGen C0398791, MONDO:0009623, OMIM 251260.

Submission:

Labcorp Genetics (formerly Invitae), Labcorp
Classification: Uncertain significance for Microcephaly, normal intelligence and immunodeficiency. Last evaluated: 2020-11-25. Review status: criteria provided, single submitter. Criteria: Invitae Variant Classification Sherloc (09022015). Collection method: clinical testing. Allele origin: germline.
Comment: In summary, the available evidence is currently insufficient to determine the role of this variant in disease. Therefore, it has been classified as a Variant of Uncertain Significance. Algorithms developed to predict the effect of missense changes on protein structure and function (SIFT, PolyPhen-2, Align-GVGD) all suggest that this variant is likely to be tolerated, but these predictions have not been confirmed by published functional studies and their clinical significance is uncertain. This variant has not been reported in the literature in individuals with NBN-related conditions. This variant is not present in population databases (ExAC no frequency). This sequence change replaces leucine with proline at codon 489 of the NBN protein (p.Leu489Pro). The leucine residue is weakly conserved and there is a moderate physicochemical difference between leucine and proline.

NM_002485.5(NBN):c.1466T>C (p.Leu489Pro)

Gene: NBN (nibrin; minus strand). Cytogenetic location: 8q21.3.
Variant type: single nucleotide variant.
Coding change: c.1466T>C on transcript NM_002485.5 (MANE Select); coding-DNA position 1466, T replaced by C.
Protein change: p.Leu489Pro; replaces leucine 489 with proline.
Molecular consequence: missense variant.
Genome position (GRCh38, 1-based): chr8:89,953,623, A>G on the plus strand (T>C on the coding strand, the complement: NBN is on the minus strand). VCF-style: chr8-89953623-A-G. GRCh37 (hg19) VCF-style: chr8-90965851-A-G.
Other names: c.1220T>C, p.Leu407Pro (NM_001024688.3); short protein forms L407P, L489P.
Identifiers: ClinVar variation 1425885 (VCV001425885.8), dbSNP rs2129703076, ClinGen allele CA371655796.